The following is an entry in ClinVar:

ClinVar aggregate classification (germline): Uncertain significance (0 of 4 stars; one submission).

Conditions:
DNMT3A-related disorder. Also called: DNMT3A-related disorders; DNMT3A-related condition.

Submission:

PreventionGenetics, part of Exact Sciences
Classification: Uncertain significance for DNMT3A-related condition. Last evaluated: 2024-06-12. Review status: no assertion criteria provided. Collection method: clinical testing. Allele origin: germline.
Comment: The DNMT3A c.1361C>G variant is predicted to result in the amino acid substitution p.Ala454Gly. To our knowledge, this variant has not been reported in the literature or in a large population database, indicating this variant is rare. At this time, the clinical significance of this variant is uncertain due to the absence of conclusive functional and genetic evidence.

NM_022552.5(DNMT3A):c.1361C>G (p.Ala454Gly)

Gene: DNMT3A (DNA methyltransferase 3 alpha; minus strand). Cytogenetic location: 2p23.3.
Variant type: single nucleotide variant.
Coding change: c.1361C>G on transcript NM_022552.5 (MANE Select); coding-DNA position 1361, C replaced by G.
Protein change: p.Ala454Gly; replaces alanine 454 with glycine.
Molecular consequence: missense variant. On other transcripts: non-coding transcript variant (1).
Genome position (GRCh38, 1-based): chr2:25,246,228, G>C on the plus strand (C>G on the coding strand, the complement: DNMT3A is on the minus strand). VCF-style: chr2-25246228-G-C. GRCh37 (hg19) VCF-style: chr2-25469097-G-C.
Other names: c.905C>G, p.Ala302Gly (NM_001320893.1); c.692C>G, p.Ala231Gly (NM_001375819.1); c.794C>G, p.Ala265Gly (NM_153759.3); c.1361C>G, p.Ala454Gly (NM_175629.2); short protein forms A231G, A265G, A302G, A454G.
Identifiers: ClinVar variation 3347068 (VCV003347068.1).
Genomic context (GRCh38, chr2:25,246,228, plus strand): 5'-CGCTCATCAATAATCTCCTTGACCTTGGGCTTCTCCGCTGTGCTCTTCCGGGGCTTTTTG[G>C]CTGGTGGAGGTGGTGCGTAGGCAGCTGCCTCAGGTTCCACCCACATGTCCGTGTACACTT-3'
Protein context (NP_072046.2, residues 444-464): EAAAYAPPPP[Ala454Gly]KKPRKSTAEK